The following is an entry in ClinVar:

NM_018979.4(WNK1):c.5051T>G (p.Ile1684Arg)

Gene: WNK1 (WNK lysine deficient protein kinase 1; plus strand). Cytogenetic location: 12p13.33.
Variant type: single nucleotide variant.
Coding change: c.5051T>G on transcript NM_018979.4 (MANE Select); coding-DNA position 5051, T replaced by G.
Protein change: p.Ile1684Arg; replaces isoleucine 1684 with arginine.
Molecular consequence: missense variant.
Genome position (GRCh38, 1-based): chr12:885,855, T>G. VCF-style: chr12-885855-T-G. GRCh37 (hg19) VCF-style: chr12-995021-T-G.
Other names: c.5831T>G, p.Ile1944Arg (NM_001184985.2); c.4310T>G, p.Ile1437Arg (NM_014823.3); c.5807T>G, p.Ile1936Arg (NM_213655.5); short protein forms I1437R, I1944R, I1684R, I1936R.
Identifiers: ClinVar variation 1434500 (VCV001434500.9), dbSNP rs1298559115, ClinGen allele CA383332500.

ClinVar aggregate classification (germline): Uncertain significance. Review status: criteria provided, multiple submitters, no conflicts (2 of 4 stars). 2 submissions from 2 submitters: Uncertain significance (2). Last evaluated 2024-04-10.

Conditions:
Neuropathy, hereditary sensory and autonomic, type 2A (HSAN2A). Also called: ACROOSTEOLYSIS, GIACCAI TYPE; ACROOSTEOLYSIS, NEUROGENIC; MORVAN DISEASE; NEUROPATHY, CONGENITAL SENSORY; NEUROPATHY, HEREDITARY SENSORY RADICULAR, AUTOSOMAL RECESSIVE; NEUROPATHY, HEREDITARY SENSORY, TYPE IIA. Identifiers: Orphanet 970, MedGen C2752089, MONDO:0024309, OMIM 201300.
Pseudohypoaldosteronism type 2C (PHA2C). Also called: Pseudohypoaldosteronism Type IIC. Identifiers: Orphanet 757, Orphanet 88940, MedGen C1840391, MONDO:0013778, OMIM 614492.

gnomAD v4.1: 3 of 1,614,082 alleles (0.00019%); highest among the groups gnomAD compares: African/African-American, 0.0013%; no homozygotes.

Submissions (2):

Fulgent Genetics
Classification: Uncertain significance for Neuropathy, hereditary sensory and autonomic, type 2A; Pseudohypoaldosteronism type 2C. Last evaluated: 2024-04-10. Review status: criteria provided, single submitter. Criteria: ACMG Guidelines, 2015. Collection method: clinical testing. Allele origin: germline.

Labcorp Genetics (formerly Invitae), Labcorp
Classification: Uncertain significance for Neuropathy, hereditary sensory and autonomic, type 2A; Pseudohypoaldosteronism type 2C. Last evaluated: 2021-06-27. Review status: criteria provided, single submitter. Criteria: Invitae Variant Classification Sherloc (09022015). Collection method: clinical testing. Allele origin: germline.
Comment: In summary, the available evidence is currently insufficient to determine the role of this variant in disease. Therefore, it has been classified as a Variant of Uncertain Significance. Advanced modeling of protein sequence and biophysical properties (such as structural, functional, and spatial information, amino acid conservation, physicochemical variation, residue mobility, and thermodynamic stability) performed at Invitae indicates that this missense variant is not expected to disrupt WNK1 protein function. This variant has not been reported in the literature in individuals with WNK1-related conditions. This variant is not present in population databases (ExAC no frequency). This sequence change replaces isoleucine with arginine at codon 1936 of the WNK1 protein (p.Ile1936Arg). The isoleucine residue is weakly conserved and there is a moderate physicochemical difference between isoleucine and arginine.